The following is an entry in ClinVar:

NM_004364.5(CEBPA):c.59A>G (p.Gln20Arg)

Gene: CEBPA (CCAAT enhancer binding protein alpha; minus strand). Cytogenetic location: 19q13.11.
Variant type: single nucleotide variant.
Coding change: c.59A>G on transcript NM_004364.5 (MANE Select); coding-DNA position 59, A replaced by G.
Protein change: p.Gln20Arg; replaces glutamine 20 with arginine.
Molecular consequence: missense variant. On other transcripts: 5 prime UTR variant (1).
Genome position (GRCh38, 1-based): chr19:33,302,356, T>C on the plus strand (A>G on the coding strand, the complement: CEBPA is on the minus strand). VCF-style: chr19-33302356-T-C. GRCh37 (hg19) VCF-style: chr19-33793262-T-C.
Other names: c.-299A>G (NM_001285829.2); c.164A>G, p.Gln55Arg (NM_001287424.2); c.17A>G, p.Gln6Arg (NM_001287435.2); c.59A>G (NM_004364.3); short protein forms Q20R, Q55R, Q6R.
Identifiers: ClinVar variation 1376026 (VCV001376026.7), dbSNP rs1329725504, ClinGen allele CA405275762.

ClinVar aggregate classification (germline): Uncertain significance. Review status: criteria provided, multiple submitters, no conflicts (2 of 4 stars). 2 submissions from 2 submitters: Uncertain significance (2). Last evaluated 2024-10-05.

Conditions:
Acute myeloid leukemia (AML). Also called: Leukemia, acute myeloid, somatic; Leukemia, acute myelogenous, somatic; Acute myeloid leukemia, adult; AML adult; Acute non-lymphocytic leukemia; Acute granulocytic leukemia. Identifiers: Orphanet 519, MedGen C0023467, MeSH D015470, MONDO:0018874, OMIM 601626, HP:0004808. Disease mechanism: Constitutively activated FLT3.
Inborn genetic diseases. Identifiers: MedGen C0950123, MeSH D030342.

Allele frequency attached by ClinVar (database versions not stated): gnomAD exomes below 0.00001; TOPMed below 0.00001; gnomAD 0.00001.

Submissions (2):

Ambry Genetics
Classification: Uncertain significance for Inborn genetic diseases. Last evaluated: 2024-10-05. Review status: criteria provided, single submitter. Criteria: Ambry Variant Classification Scheme 2023. Collection method: clinical testing. Allele origin: germline.
Comment: The p.Q20R variant (also known as c.59A>G), located in coding exon 1 of the CEBPA gene, results from an A to G substitution at nucleotide position 59. The glutamine at codon 20 is replaced by arginine, an amino acid with highly similar properties. This amino acid position is conserved. In addition, this alteration is predicted to be tolerated by in silico analysis. Based on the available evidence, the clinical significance of this variant remains unclear.

Labcorp Genetics (formerly Invitae), Labcorp
Classification: Uncertain significance for Acute myeloid leukemia. Last evaluated: 2021-10-01. Review status: criteria provided, single submitter. Criteria: Invitae Variant Classification Sherloc (09022015). Collection method: clinical testing. Allele origin: germline.
Comment: In summary, the available evidence is currently insufficient to determine the role of this variant in disease. Therefore, it has been classified as a Variant of Uncertain Significance. Algorithms developed to predict the effect of missense changes on protein structure and function are either unavailable or do not agree on the potential impact of this missense change (SIFT: "Deleterious"; PolyPhen-2: "Benign"; Align-GVGD: "Class C0"). This variant has not been reported in the literature in individuals affected with CEBPA-related conditions. The frequency data for this variant in the population databases is considered unreliable, as metrics indicate insufficient coverage at this position in the ExAC database. This sequence change replaces glutamine with arginine at codon 20 of the CEBPA protein (p.Gln20Arg). The glutamine residue is moderately conserved and there is a small physicochemical difference between glutamine and arginine.